The following is an entry in ClinVar:

NM_020297.4(ABCC9):c.3095A>G (p.Gln1032Arg)

Gene: ABCC9 (ATP binding cassette subfamily C member 9; minus strand). Cytogenetic location: 12p12.1.
Variant type: single nucleotide variant.
Coding change: c.3095A>G on transcript NM_020297.4 (MANE Select); coding-DNA position 3095, A replaced by G.
Protein change: p.Gln1032Arg; replaces glutamine 1032 with arginine.
Molecular consequence: missense variant.
Genome position (GRCh38, 1-based): chr12:21,845,604, T>C on the plus strand (A>G on the coding strand, the complement: ABCC9 is on the minus strand). VCF-style: chr12-21845604-T-C. GRCh37 (hg19) VCF-style: chr12-21998538-T-C.
Other names: c.3095A>G, p.Gln1032Arg (NM_001377273.1, NM_005691.4); c.2228A>G, p.Gln743Arg (NM_001377274.1); short protein forms Q1032R, Q743R.
Identifiers: ClinVar variation 240204 (VCV000240204.6), dbSNP rs757471451, ClinGen allele CA10583039.

ClinVar aggregate classification (germline): Uncertain significance (1 of 4 stars; one submission).

Conditions:
Dilated cardiomyopathy 1O (CMD1O). Also called: CARDIOMYOPATHY, DILATED, WITH VENTRICULAR TACHYCARDIA. Identifiers: Orphanet 154, MedGen C1837839, MONDO:0012062, OMIM 608569.

Allele frequency attached by ClinVar (database versions not stated): TOPMed below 0.00001.

Submission:

Labcorp Genetics (formerly Invitae), Labcorp
Classification: Uncertain significance for Dilated cardiomyopathy 1O. Last evaluated: 2016-01-25. Review status: criteria provided, single submitter. Criteria: Invitae Variant Classification Sherloc (09022015). Collection method: clinical testing. Allele origin: germline.
Comment: This variant is not present in population databases (ExAC no frequency) and has not been reported in the literature in individuals with a ABCC9-related disease. This sequence change replaces glutamine with arginine at codon 1032 of the ABCC9 protein (p.Gln1032Arg). The glutamine residue is moderately conserved and there is a small physicochemical difference between glutamine and arginine. In summary, this is a novel missense change with uncertain impact on splicing. It has been classified as a Variant of Uncertain Significance. Algorithms developed to predict the effect of missense changes on protein structure and function (SIFT, PolyPhen-2, Align-GVGD) all suggest that this variant is likely to be tolerated, but these predictions have not been confirmed by published functional studies. However, algorithms developed to predict the effect of nucleotide changes on mRNA splicing suggest that this variant may alter mRNA splicing, but this prediction has not been confirmed by published transcriptional studies.